The following is an entry in ClinVar:

NM_000238.4(KCNH2):c.917-13C>T

Gene: KCNH2 (potassium voltage-gated channel subfamily H member 2; minus strand). Cytogenetic location: 7q36.1.
Variant type: single nucleotide variant.
Coding change: c.917-13C>T on transcript NM_000238.4 (MANE Select); 13 bases into the intron before coding-DNA position 917, C replaced by T.
Molecular consequence: intron variant.
Genome position (GRCh38, 1-based): chr7:150,957,515, G>A on the plus strand (C>T on the coding strand, the complement: KCNH2 is on the minus strand). VCF-style: chr7-150957515-G-A. GRCh37 (hg19) VCF-style: chr7-150654603-G-A.
Other names: c.629-13C>T (NM_001406753.1, NM_001406756.1); c.917-13C>T (NM_172056.3); c.740-13C>T (NM_001406755.1); c.617-13C>T (NM_001406757.1).
Identifiers: ClinVar variation 2977728 (VCV002977728.4), dbSNP rs2486083601, ClinGen allele CA2685606023.

ClinVar aggregate classification (germline): Likely benign. Review status: criteria provided, multiple submitters, no conflicts (2 of 4 stars). 2 submissions from 2 submitters: Likely benign (2). Last evaluated 2024-02-05.

Conditions:
Long QT syndrome (LQTS). Identifiers: MedGen C0023976, MeSH D008133, MONDO:0002442. Disease mechanism: loss of function. Inheritance: Various modes of inheritance.

Allele frequency attached by ClinVar (database versions not stated): gnomAD exomes below 0.00001.
gnomAD v4.1: 2 of 1,583,552 alleles (0.00013%); highest among the groups gnomAD compares: Non-Finnish European, 0.00017%; no homozygotes.

Submissions (2):

All of Us Research Program, National Institutes of Health
Classification: Likely benign for Long QT syndrome. Last evaluated: 2024-02-05. Review status: criteria provided, single submitter. Criteria: ACMG Guidelines, 2015. Collection method: clinical testing. Allele origin: germline. Inheritance: Autosomal dominant inheritance. Observed: 1 variant allele, 1 heterozygote.
Comment: This study involves interpretation of variants in research participants for the purpose of population health screening. Participant phenotype was not available at the time of variant classification. Additional details can be found in publication PMID: 35346344, PMCID: PMC8962531

Labcorp Genetics (formerly Invitae), Labcorp
Classification: Likely benign for Long QT syndrome. Last evaluated: 2023-09-06. Review status: criteria provided, single submitter. Criteria: Invitae Variant Classification Sherloc (09022015). Collection method: clinical testing. Allele origin: germline.